The following is an entry in ClinVar:

NM_001267550.2(TTN):c.50661C>A (p.Tyr16887Ter)

Genes: TTN-AS1 (TTN antisense RNA 1; plus strand), TTN (titin; minus strand). Cytogenetic location: 2q31.2.
Variant type: single nucleotide variant.
Coding change: c.50661C>A on transcript NM_001267550.2 (MANE Select); coding-DNA position 50661, C replaced by A.
Protein change: p.Tyr16887Ter; replaces tyrosine 16887 with a stop codon.
Molecular consequence: nonsense.
Genome position (GRCh38, 1-based): chr2:178,611,568, G>T on the plus strand (C>A on the coding strand, the complement: TTN is on the minus strand). VCF-style: chr2-178611568-G-T. GRCh37 (hg19) VCF-style: chr2-179476295-G-T.
Other names: c.45738C>A, p.Tyr15246Ter (NM_001256850.1); c.23466C>A, p.Tyr7822Ter (NM_003319.4); c.42957C>A, p.Tyr14319Ter (NM_133378.4); c.23841C>A, p.Tyr7947Ter (NM_133432.3); c.24042C>A, p.Tyr8014Ter (NM_133437.4); short protein forms Y16887*, Y7822*, Y7947*, Y15246*, Y8014*, Y14319*.
Identifiers: ClinVar variation 519021 (VCV000519021.5), dbSNP rs1553696233, ClinGen allele CA349593760.
Genomic context (GRCh38, chr2:178,611,568, plus strand): 5'-TATTGGGCGAGAATTAACTCTCATCCATTTCTCAGTGCCTACTGGACACATTTCAACATG[G>T]TATCCTATGATAGGACTTCCACCATTTTTCTCTGGAGGCTTCCAAGCAATGGCAATGTGT-3'

ClinVar aggregate classification (germline): Likely pathogenic (1 of 4 stars; one submission).

Conditions:
Cardiovascular phenotype. Identifiers: MedGen CN230736.

Submission:

Ambry Genetics
Classification: Likely pathogenic for Cardiovascular phenotype. Last evaluated: 2017-08-08. Review status: criteria provided, single submitter. Criteria: Ambry Variant Classification Scheme 2023. Collection method: clinical testing. Allele origin: germline.
Comment: The p.Y7822* variant (also known as c.23466C>A), located in coding exon 96 of the TTN gene, results from a C to A substitution at nucleotide position 23466. This changes the amino acid from a tyrosine to a stop codon within coding exon 96. This exon is located in the A-band region of the N2-B isoform of the titin protein and is constitutively expressed in TTN transcripts (percent spliced in or PSI 100%). While truncating variants in TTN are present in 1-3% of the general population, truncating variants in the A-band are the most common cause of dilated cardiomyopathy (DCM) (Herman DS et al. N. Engl. J. Med. 2012 Feb;366:619-28; Roberts AM et al. Sci Transl Med. 2015 Jan;7:270ra6). TTN truncating variants encoded in constitutive exons (PSI >90%) have been found to be significantly associated with DCM regardless of their position in titin (Schafer S et al. Nat. Genet. 2017 Jan;49:46-53). This alteration is expected to result in loss of function by premature protein truncation or nonsense-mediated mRNA decay. As such, this alteration is classified as likely pathogenic.